The following is an entry in ClinVar:

ClinVar aggregate classification (germline): Uncertain significance (1 of 4 stars; one submission).

Allele frequency attached by ClinVar (database versions not stated): gnomAD exomes below 0.00001; TOPMed below 0.00001; gnomAD 0.00001.

Submission:

Labcorp Genetics (formerly Invitae), Labcorp
Classification: Uncertain significance. Last evaluated: 2021-05-25. Review status: criteria provided, single submitter. Criteria: Invitae Variant Classification Sherloc (09022015). Collection method: clinical testing. Allele origin: germline.
Comment: In summary, the available evidence is currently insufficient to determine the role of this variant in disease. Therefore, it has been classified as a Variant of Uncertain Significance. Algorithms developed to predict the effect of missense changes on protein structure and function are either unavailable or do not agree on the potential impact of this missense change (SIFT: "Deleterious"; PolyPhen-2: "Benign"; Align-GVGD: "Class C0"). This variant has not been reported in the literature in individuals with CDT1-related conditions. The frequency data for this variant in the population databases is considered unreliable, as metrics indicate insufficient coverage at this position in the ExAC database. This sequence change replaces arginine with serine at codon 48 of the CDT1 protein (p.Arg48Ser). The arginine residue is moderately conserved and there is a moderate physicochemical difference between arginine and serine.

NM_030928.4(CDT1):c.142C>A (p.Arg48Ser)

Genes: CDT1 (chromatin licensing and DNA replication factor 1; plus strand), LOC130059759 (ATAC-STARR-seq lymphoblastoid silent region 7878; plus strand). Cytogenetic location: 16q24.3.
Variant type: single nucleotide variant.
Coding change: c.142C>A on transcript NM_030928.4 (MANE Select); coding-DNA position 142, C replaced by A.
Protein change: p.Arg48Ser; replaces arginine 48 with serine.
Molecular consequence: missense variant.
Genome position (GRCh38, 1-based): chr16:88,803,973, C>A. VCF-style: chr16-88803973-C-A. GRCh37 (hg19) VCF-style: chr16-88870381-C-A.
Other names: short protein forms R48S.
Identifiers: ClinVar variation 1487602 (VCV001487602.8), dbSNP rs1021574193, ClinGen allele CA286412944.
Genomic context (GRCh38, chr16:88,803,973, plus strand): 5'-CGCACCCCCAGCCCCGCCAGGCCCGCACTCCGCGCCCCGGCCTCCGCTACCAGTGGCAGC[C>A]GCAAGCGCGCCCGCCCGCCCGCCGCCCCCGGACGCGACCAGGCCAGGCCACCGGCCCGCA-3'
Protein context (NP_112190.2, residues 38-58): RAPASATSGS[Arg48Ser]KRARPPAAPG